The following is an entry in ClinVar:

ClinVar aggregate classification (germline): Conflicting classifications of pathogenicity. Review status: criteria provided, conflicting classifications (1 of 4 stars). 11 submissions from 11 submitters: Uncertain significance (1); Benign (1); Likely benign (3). 6 of the submissions do not count toward it. Last evaluated 2026-09-01.

Conditions:
AR-related disorder. Also called: AR-related condition.
Castleman-Kojima disease. Also called: Thrombocytopenia-anasarca-fever-renal insufficiency-organomegaly syndrome; TAFRO syndrome. Identifiers: Orphanet 457077, MedGen C4552543, MONDO:0018702.
Kennedy disease (SMAX1). Also called: SPINAL AND BULBAR MUSCULAR ATROPHY, X-LINKED 1; KENNEDY SPINAL AND BULBAR MUSCULAR ATROPHY; Spinal and Bulbar Muscular Atrophy. Identifiers: Orphanet 481, MedGen C1839259, MONDO:0010735, OMIM 313200.
Androgen resistance syndrome (AIS). Also called: ANDROGEN RECEPTOR DEFICIENCY; TESTICULAR FEMINIZATION SYNDROME; DIHYDROTESTOSTERONE RECEPTOR DEFICIENCY; Androgen insensitivity; DHTR DEFICIENCY; Androgen insensitivity syndrome. Identifiers: Orphanet 754, Orphanet 99429, MedGen C0039585, MONDO:0019154, OMIM 300068. Disease mechanism: loss of function.
Male infertility. Identifiers: MedGen C0021364, MeSH D007248, MONDO:0005372, HP:0003251.
Partial androgen insensitivity syndrome (PAIS). Also called: Reifenstein syndrome; Pseudohermaphroditism, Incomplete male, type I; ANDROGEN INSENSITIVITY, PARTIAL, WITH OR WITHOUT BREAST CANCER; Reifenstein syndrome, partial; Androgen resistance syndrome, partial; Type I familial incomplete male pseudohermaphroditism. Identifiers: Orphanet 90797, MedGen C0268301, MONDO:0010720, OMIM 312300.

Allele frequency attached by ClinVar (database versions not stated): ExAC 0.00195; TOPMed 0.00112; gnomAD exomes 0.00113 and 0.00218; gnomAD 0.00123.
gnomAD v4.1: 2,468 of 1,202,319 alleles (0.21%); highest among the groups gnomAD compares: Non-Finnish European, 0.27%; 2 homozygotes.

Submissions (11):

CeGaT Center for Human Genetics Tuebingen
Classification: Likely benign. Last evaluated: 2026-09-01. Review status: criteria provided, single submitter. Criteria: CeGaT Center For Human Genetics Tuebingen Variant Classification Criteria Version 2. Collection method: clinical testing. Allele origin: germline. Affected: yes. Observed: 8 variant alleles.
Comment: AR: BS2

Labcorp Genetics (formerly Invitae), Labcorp
Classification: Benign for Kennedy disease; Androgen resistance syndrome. Last evaluated: 2025-12-15. Review status: criteria provided, single submitter. Criteria: Invitae Variant Classification Sherloc (09022015). Collection method: clinical testing. Allele origin: germline.

Blueprint Genetics
Classification: Likely benign. Last evaluated: 2024-11-21. Review status: criteria provided, single submitter. Criteria: ACMG Guidelines, 2015. Collection method: clinical testing. Allele origin: germline.

Institute of Reproductive Genetics, University of Münster
Classification: Uncertain significance for Male infertility. Last evaluated: 2024-01-16. Review status: criteria provided, single submitter. Criteria: Uk Practice Guidelines For Variant Classification V4 01 2020. Collection method: research, in vitro. Allele origin: germline, not applicable. Observed: 3 variant alleles, 3 hemizygotes. Clinical features observed: Azoospermia (HP:0000027).

GeneDx
Classification: Likely benign. Last evaluated: 2018-02-01. Review status: criteria provided, single submitter. Criteria: GeneDx Variant Classification (06012015). Collection method: clinical testing. Allele origin: germline. Affected: yes.
Comment: This variant is considered likely benign or benign based on one or more of the following criteria: it is a conservative change, it occurs at a poorly conserved position in the protein, it is predicted to be benign by multiple in silico algorithms, and/or has population frequency not consistent with disease.

PreventionGenetics, part of Exact Sciences
Classification: Likely benign for AR-related condition. Last evaluated: 2022-03-22. Review status: no assertion criteria provided. Collection method: clinical testing. Allele origin: germline. Not counted in ClinVar's aggregate classification.
Comment: This variant is classified as likely benign based on ACMG/AMP sequence variant interpretation guidelines (Richards et al. 2015 PMID: 25741868, with internal and published modifications).

Xiao lab, Department of Pathology, Memorial Sloan Kettering Cancer Center
Classification: Uncertain significance for TAFRO syndrome. Last evaluated: 2019-08-12. Review status: no assertion criteria provided. Collection method: clinical testing. Allele origin: germline. Affected: yes. Not counted in ClinVar's aggregate classification.

OMIM
Classification: Pathogenic for ANDROGEN INSENSITIVITY, PARTIAL. Last evaluated: 2006-09-01. Review status: no assertion criteria provided. Collection method: literature only. Allele origin: germline. Not counted in ClinVar's aggregate classification.

Clinical Genetics DNA and cytogenetics Diagnostics Lab, Erasmus MC, Erasmus Medical Center
Classification: Likely benign. Review status: no assertion criteria provided. Collection method: clinical testing. Allele origin: germline. Affected: yes. Study: VKGL Data-share Consensus. Not counted in ClinVar's aggregate classification.

Genome Diagnostics Laboratory, University Medical Center Utrecht
Classification: Likely benign. Review status: no assertion criteria provided. Collection method: clinical testing. Allele origin: germline. Affected: yes. Study: VKGL Data-share Consensus. Not counted in ClinVar's aggregate classification.

Laboratory of Diagnostic Genome Analysis, Leiden University Medical Center (LUMC)
Classification: Likely benign. Review status: no assertion criteria provided. Collection method: clinical testing. Allele origin: germline. Affected: yes. Study: VKGL Data-share Consensus. Not counted in ClinVar's aggregate classification.

Literature cited by the submitters: PubMed 16804045 (cited by OMIM).

NM_000044.6(AR):c.1937C>A (p.Ala646Asp)

Gene: AR (androgen receptor; plus strand). Cytogenetic location: Xq12.
Variant type: single nucleotide variant.
Coding change: c.1937C>A on transcript NM_000044.6 (MANE Select); coding-DNA position 1937, C replaced by A.
Protein change: p.Ala646Asp; replaces alanine 646 with aspartic acid.
Molecular consequence: missense variant.
Genome position (GRCh38, 1-based): chrX:67,711,453, C>A. VCF-style: chrX-67711453-C-A. GRCh37 (hg19) VCF-style: chrX-66931295-C-A.
Other names: AR, ALA645ASP, SHORT POLYGLYCINE REPEAT, LONG POLYGLUTAMINE REPEAT; A645D; c.341C>A, p.Ala114Asp (NM_001011645.3); c.1937C>A (NM_000044.3); short protein forms A114D, A646D.
Identifiers: ClinVar variation 9861 (VCV000009861.52), dbSNP rs1800053, ClinGen allele CA120795.